The following is an entry in ClinVar:

ClinVar aggregate classification (germline): Uncertain significance (1 of 4 stars; one submission).

Submission:

Labcorp Genetics (formerly Invitae), Labcorp
Classification: Uncertain significance. Last evaluated: 2025-02-03. Review status: criteria provided, single submitter. Criteria: Invitae Variant Classification Sherloc (09022015). Collection method: clinical testing. Allele origin: germline.
Comment: This sequence change replaces proline, which is neutral and non-polar, with alanine, which is neutral and non-polar, at codon 2592 of the CPLANE1 protein (p.Pro2592Ala). This variant is not present in population databases (gnomAD no frequency). This variant has not been reported in the literature in individuals affected with CPLANE1-related conditions. ClinVar contains an entry for this variant (Variation ID: 2019949). Invitae Evidence Modeling of protein sequence and biophysical properties (such as structural, functional, and spatial information, amino acid conservation, physicochemical variation, residue mobility, and thermodynamic stability) indicates that this missense variant is not expected to disrupt CPLANE1 protein function with a negative predictive value of 95%. In summary, the available evidence is currently insufficient to determine the role of this variant in disease. Therefore, it has been classified as a Variant of Uncertain Significance.

NM_001384732.1(CPLANE1):c.7774C>G (p.Pro2592Ala)

Gene: CPLANE1 (ciliogenesis and planar polarity effector complex subunit 1; minus strand). Cytogenetic location: 5p13.2.
Variant type: single nucleotide variant.
Coding change: c.7774C>G on transcript NM_001384732.1 (MANE Select); coding-DNA position 7774, C replaced by G.
Protein change: p.Pro2592Ala; replaces proline 2592 with alanine.
Molecular consequence: missense variant.
Genome position (GRCh38, 1-based): chr5:37,158,262, G>C on the plus strand (C>G on the coding strand, the complement: CPLANE1 is on the minus strand). VCF-style: chr5-37158262-G-C. GRCh37 (hg19) VCF-style: chr5-37158364-G-C.
Other names: c.7774C>G, p.Pro2592Ala (NM_023073.4); short protein forms P2592A.
Identifiers: ClinVar variation 2019949 (VCV002019949.4), dbSNP rs1382954500, ClinGen allele CA359475344.
Genomic context (GRCh38, chr5:37,158,262, plus strand): 5'-AACTTCTGAATAAAACACAAACCAAGTTTGTTACTGTATGAGGTATTGAGGGTGACCAAG[G>C]TTTCTCTGACATTTCACTGGAAAGCTTCAGATTTAGATAGACATCTGGGACCAAGAGCTG-3'
Protein context (NP_001371661.1, residues 2582-2602): LKLSSEMSEK[Pro2592Ala]WSPSIPHTVT